The following is an entry in ClinVar:

ClinVar aggregate classification (germline): Uncertain significance. Review status: criteria provided, multiple submitters, no conflicts (2 of 4 stars). 3 submissions from 3 submitters: Uncertain significance (3). Last evaluated 2022-07-06.

Conditions:
Progressive myoclonic epilepsy. Also called: Myoclonic Epilepsies, Progressive; Myoclonus epilepsy; Progressive myoclonus epilepsy; Familial progressive myoclonic epilepsy. Identifiers: Orphanet 308, Orphanet 98261, MedGen C0751778, MONDO:0020074.

Allele frequency attached by ClinVar (database versions not stated): TOPMed 0.00001; ExAC 0.00003.
gnomAD v4.1: 15 of 1,613,488 alleles (0.00093%); highest among the groups gnomAD compares: Middle Eastern, 0.033%; 1 homozygote.

Submissions (3):

Labcorp Genetics (formerly Invitae), Labcorp
Classification: Uncertain significance for Progressive myoclonic epilepsy. Last evaluated: 2022-07-06. Review status: criteria provided, single submitter. Criteria: Invitae Variant Classification Sherloc (09022015). Collection method: clinical testing. Allele origin: germline.
Comment: This sequence change replaces arginine, which is basic and polar, with glutamine, which is neutral and polar, at codon 69 of the GOSR2 protein (p.Arg69Gln). This variant is present in population databases (rs780211637, gnomAD 0.02%). This variant has not been reported in the literature in individuals affected with GOSR2-related conditions. ClinVar contains an entry for this variant (Variation ID: 205636). Algorithms developed to predict the effect of missense changes on protein structure and function are either unavailable or do not agree on the potential impact of this missense change (SIFT: "Deleterious"; PolyPhen-2: "Benign"; Align-GVGD: "Class C35"). Algorithms developed to predict the effect of sequence changes on RNA splicing suggest that this variant may create or strengthen a splice site. In summary, the available evidence is currently insufficient to determine the role of this variant in disease. Therefore, it has been classified as a Variant of Uncertain Significance.

Revvity Omics, Revvity
Classification: Uncertain significance. Last evaluated: 2019-08-20. Review status: criteria provided, single submitter. Criteria: ACMG Guidelines, 2015. Collection method: clinical testing. Allele origin: germline.

GeneDx
Classification: Uncertain significance. Last evaluated: 2015-01-14. Review status: criteria provided, single submitter. Criteria: GeneDx Variant Classification (06012015). Collection method: clinical testing. Allele origin: germline. Affected: yes.
Comment: p.Arg69Gln (CGG>CAG): c.206 G>A in exon 4 of the GOSR2 gene (NM_004287.3). The R69Q variant has not been published as a mutation, nor has it been reported as a benign polymorphism to our knowledge. It was not observed in approximately 6,500 individuals of European and African American ancestry in the NHLBI Exome Sequencing Project, indicating it is not a common benign variant in these populations. The R69Q variant is a semi-conservative amino acid substitution, which may impact secondary protein structure as these residues differ in some properties. This substitution occurs at a position that is conserved across species, and in silico analysis predicts this variant is probably damaging to the protein structure/function. Based on the currently available information, it is unclear whether the R69Q variant is a pathogenic mutation or a rare benign variant. The variant is found in EPILEPSYV2-1 panel(s).

NM_004287.5(GOSR2):c.206G>A (p.Arg69Gln)

Genes: LRRC37A2 (leucine rich repeat containing 37 member A2), GOSR2 (golgi SNAP receptor complex member 2; plus strand), LOC126862578 (BRD4-independent group 4 enhancer GRCh37_chr17:45008344-45009543; plus strand). Cytogenetic location: 17q21.32.
Variant type: single nucleotide variant.
Coding change: c.206G>A on transcript NM_004287.5 (MANE Select); coding-DNA position 206, G replaced by A.
Protein change: p.Arg69Gln; replaces arginine 69 with glutamine.
Molecular consequence: missense variant. On other transcripts: non-coding transcript variant (3).
Genome position (GRCh38, 1-based): chr17:46,932,069, G>A. VCF-style: chr17-46932069-G-A. GRCh37 (hg19) VCF-style: chr17-45009435-G-A.
Other names: p.R69Q:CGG>CAG; c.206G>A, p.Arg69Gln (NM_001012511.3, NM_001321133.2, NM_001330252.2 and 1 more transcripts); c.152G>A, p.Arg51Gln (NM_001321134.2, NM_001363851.2); c.203G>A, p.Arg68Gln (NM_001353114.2, NM_001353115.2, NM_001353116.2); short protein forms R69Q, R68Q, R51Q.
Identifiers: ClinVar variation 205636 (VCV000205636.13), dbSNP rs780211637, ClinGen allele CA314911.